The following is an entry in ClinVar:

NM_022765.4(MICAL1):c.1234G>A (p.Ala412Thr)

Gene: MICAL1 (microtubule associated monooxygenase, calponin and LIM domain containing 1; minus strand). Cytogenetic location: 6q21.
Variant type: single nucleotide variant.
Coding change: c.1234G>A on transcript NM_022765.4 (MANE Select); coding-DNA position 1234, G replaced by A.
Protein change: p.Ala412Thr; replaces alanine 412 with threonine.
Molecular consequence: missense variant.
Genome position (GRCh38, 1-based): chr6:109,450,043, C>T on the plus strand (G>A on the coding strand, the complement: MICAL1 is on the minus strand). VCF-style: chr6-109450043-C-T. GRCh37 (hg19) VCF-style: chr6-109771246-C-T.
Other names: c.1234G>A (NM_022765.3); c.976G>A, p.Ala326Thr (NM_001159291.2); c.1291G>A, p.Ala431Thr (NM_001286613.2); short protein forms A326T, A431T, A412T.
Identifiers: ClinVar variation 1428007 (VCV001428007.7), dbSNP rs138706436, ClinGen allele CA3953460.

ClinVar aggregate classification (germline): Uncertain significance. Review status: criteria provided, multiple submitters, no conflicts (2 of 4 stars). 2 submissions from 2 submitters: Uncertain significance (2). Last evaluated 2025-12-19.

Allele frequency attached by ClinVar (database versions not stated): gnomAD exomes 0.00006 and 0.00011; gnomAD 0.00007 and 0.00009; ExAC 0.00010; TOPMed 0.00011; ESP Exome Variant Server 0.00015.
gnomAD v4.1: 99 of 1,613,992 alleles (0.0061%); highest among the groups gnomAD compares: Non-Finnish European, 0.007%; no homozygotes.

Submissions (2):

Labcorp Genetics (formerly Invitae), Labcorp
Classification: Uncertain significance. Last evaluated: 2025-12-19. Review status: criteria provided, single submitter. Criteria: Invitae Variant Classification Sherloc (09022015). Collection method: clinical testing. Allele origin: germline.
Comment: This sequence change replaces alanine, which is neutral and non-polar, with threonine, which is neutral and polar, at codon 431 of the MICAL1 protein (p.Ala431Thr). This variant is present in population databases (rs138706436, gnomAD 0.07%), and has an allele count higher than expected for a pathogenic variant. This variant has not been reported in the literature in individuals affected with MICAL1-related conditions. ClinVar contains an entry for this variant (Variation ID: 1428007). An algorithm developed to predict the effect of missense changes on protein structure and function (PolyPhen-2) suggests that this variant is likely to be disruptive. In summary, the available evidence is currently insufficient to determine the role of this variant in disease. Therefore, it has been classified as a Variant of Uncertain Significance.

Ambry Genetics
Classification: Uncertain significance. Last evaluated: 2025-08-30. Review status: criteria provided, single submitter. Criteria: Ambry Variant Classification Scheme 2023. Collection method: clinical testing. Allele origin: germline.